The following is an entry in ClinVar:

NM_000218.3(KCNQ1):c.1514+549T>G

Genes: KCNQ1 (potassium voltage-gated channel subfamily Q member 1; plus strand), KCNQ1OT1 (KCNQ1 opposite strand/antisense transcript 1; minus strand). Cytogenetic location: 11p15.5.
Variant type: single nucleotide variant.
Coding change: c.1514+549T>G on transcript NM_000218.3 (MANE Select); 549 bases into the intron after coding-DNA position 1514, T replaced by G.
Molecular consequence: intron variant.
Genome position (GRCh38, 1-based): chr11:2,662,630, T>G. VCF-style: chr11-2662630-T-G. GRCh37 (hg19) VCF-style: chr11-2683860-T-G.
Other names: c.1418+549T>G (NM_001406836.1); c.974+549T>G (NM_001406838.1); c.1133+549T>G (NM_181798.2); c.1514+549T>G (NM_000218.2); c.1244+549T>G (NM_001406837.1).
Identifiers: ClinVar variation 2578641 (VCV002578641.26), dbSNP rs547996714, ClinGen allele CA216171525.

ClinVar aggregate classification (germline): Likely benign. Review status: criteria provided, single submitter (1 of 4 stars). 2 submissions from 2 submitters: Likely benign (1). 1 of the submissions does not count toward it. Last evaluated 2026-02-01.

Conditions:
KCNQ1-related disorder. Also called: KCNQ1-related condition; KCNQ1-related disorders. Identifiers: MedGen CN239322.

Allele frequency attached by ClinVar (database versions not stated): TOPMed 0.00121; gnomAD exomes 0.00150; 1000 Genomes Project 30x 0.00156; 1000 Genomes Project 0.00160.
gnomAD v4.1: 584 of 409,816 alleles (0.14%); highest among the groups gnomAD compares: Non-Finnish European, 0.22%; no homozygotes.

Submissions (2):

CeGaT Center for Human Genetics Tuebingen
Classification: Likely benign. Last evaluated: 2026-02-01. Review status: criteria provided, single submitter. Criteria: CeGaT Center For Human Genetics Tuebingen Variant Classification Criteria Version 2. Collection method: clinical testing. Allele origin: germline. Affected: yes. Observed: 6 variant alleles.
Comment: KCNQ1OT1: BS1

PreventionGenetics, part of Exact Sciences
Classification: Likely benign for KCNQ1-related condition. Last evaluated: 2022-06-16. Review status: no assertion criteria provided. Collection method: clinical testing. Allele origin: germline. Not counted in ClinVar's aggregate classification.
Comment: This variant is classified as likely benign based on ACMG/AMP sequence variant interpretation guidelines (Richards et al. 2015 PMID: 25741868, with internal and published modifications).